The following is an entry in ClinVar:

ClinVar aggregate classification (germline): Benign/Likely benign. Review status: criteria provided, multiple submitters, no conflicts (2 of 4 stars). 11 submissions from 11 submitters: Benign (2); Likely benign (9). Last evaluated 2026-03-27.

Conditions:
Cardiovascular phenotype. Identifiers: MedGen CN230736.
Cardiomyopathy (CMYO). Also called: Cardiomyopathies. Identifiers: Orphanet 167848, MedGen C0878544, MONDO:0004994, HP:0001638. Inheritance: Various modes of inheritance.
Hypertrophic cardiomyopathy 8. Also called: CARDIOMYOPATHY, HYPERTROPHIC, MID-LEFT VENTRICULAR CHAMBER TYPE, 1; MYL3-Related Familial Hypertrophic Cardiomyopathy. Identifiers: MedGen C1837471, MONDO:0012111, OMIM 608751.
Hypertrophic cardiomyopathy. Also called: HYPERTROPHIC MYOCARDIOPATHY. Identifiers: Orphanet 217569, MedGen C0007194, MeSH D002312, MONDO:0005045, HP:0001639.

Allele frequency attached by ClinVar (database versions not stated): gnomAD 0.00004; ExAC 0.00008; TOPMed 0.00008; ESP Exome Variant Server 0.00015.

Submissions (11):

Molecular Diagnostic Laboratory for Inherited Cardiovascular Disease, Montreal Heart Institute
Classification: Likely benign. Last evaluated: 2026-03-27. Review status: criteria provided, single submitter. Criteria: ACMG Guidelines, 2015. Collection method: clinical testing. Allele origin: germline. Affected: no.

Labcorp Genetics (formerly Invitae), Labcorp
Classification: Likely benign for Hypertrophic cardiomyopathy. Last evaluated: 2025-12-20. Review status: criteria provided, single submitter. Criteria: Invitae Variant Classification Sherloc (09022015). Collection method: clinical testing. Allele origin: germline.

Blueprint Genetics
Classification: Likely benign. Last evaluated: 2024-11-08. Review status: criteria provided, single submitter. Criteria: ACMG Guidelines, 2015. Collection method: clinical testing. Allele origin: germline.

All of Us Research Program, National Institutes of Health
Classification: Likely benign for Hypertrophic cardiomyopathy. Last evaluated: 2024-08-13. Review status: criteria provided, single submitter. Criteria: ACMG Guidelines, 2015. Collection method: clinical testing. Allele origin: germline. Inheritance: Autosomal dominant inheritance. Observed: 24 variant alleles, 24 heterozygotes.
Comment: This study involves interpretation of variants in research participants for the purpose of population health screening. Participant phenotype was not available at the time of variant classification. Additional details can be found in publication PMID: 35346344, PMCID: PMC8962531

ARUP Laboratories, Molecular Genetics and Genomics, ARUP Laboratories
Classification: Likely benign for Hypertrophic cardiomyopathy 8. Last evaluated: 2023-11-03. Review status: criteria provided, single submitter. Criteria: ARUP Molecular Germline Variant Investigation Process 2024. Collection method: clinical testing. Allele origin: germline.

Women's Health and Genetics/Laboratory Corporation of America, LabCorp
Classification: Benign. Last evaluated: 2023-05-22. Review status: criteria provided, single submitter. Criteria: LabCorp Variant Classification Summary - May 2015. Collection method: clinical testing. Allele origin: germline.

Ambry Genetics
Classification: Benign for Cardiovascular phenotype. Last evaluated: 2021-06-04. Review status: criteria provided, single submitter. Criteria: Ambry Variant Classification Scheme 2023. Collection method: clinical testing. Allele origin: germline.

CHEO Genetics Diagnostic Laboratory, Children's Hospital of Eastern Ontario
Classification: Likely benign for Cardiomyopathy. Last evaluated: 2020-03-16. Review status: criteria provided, single submitter. Criteria: ACMG Guidelines, 2015. Collection method: clinical testing. Allele origin: germline.

Color Diagnostics, LLC DBA Color Health
Classification: Likely benign for Cardiomyopathy. Last evaluated: 2018-10-30. Review status: criteria provided, single submitter. Criteria: ACMG Guidelines, 2015. Collection method: clinical testing. Allele origin: germline.

GeneDx
Classification: Likely benign. Last evaluated: 2016-09-07. Review status: criteria provided, single submitter. Criteria: GeneDx Variant Classification (06012015). Collection method: clinical testing. Allele origin: germline. Affected: yes.
Comment: This variant is considered likely benign or benign based on one or more of the following criteria: it is a conservative change, it occurs at a poorly conserved position in the protein, it is predicted to be benign by multiple in silico algorithms, and/or has population frequency not consistent with disease.

Laboratory for Molecular Medicine, Mass General Brigham Personalized Medicine
Classification: Likely benign. Last evaluated: 2012-03-19. Review status: criteria provided, single submitter. Criteria: LMM Criteria. Collection method: clinical testing. Allele origin: germline. Observed: 1 variant allele.
Comment: Ala82Ala in exon 3 of MYL3: This variant is not expected to have clinical signif icance because it does not alter an amino acid residue and is not located within the splice consensus sequence. It has been identified in 1/7020 European Americ an chromosomes from a broad population by the NHLBI Exome Sequencing Project. Ala82Ala in exon 3 of MYL3 (allele frequency = 1/7020) **

NM_000258.3(MYL3):c.246G>A (p.Ala82=)

Gene: MYL3 (myosin light chain 3; minus strand). Cytogenetic location: 3p21.31.
Variant type: single nucleotide variant.
Coding change: c.246G>A on transcript NM_000258.3 (MANE Select); coding-DNA position 246, G replaced by A.
Protein change: p.Ala82=; no amino-acid change (alanine 82 retained).
Molecular consequence: synonymous variant.
Genome position (GRCh38, 1-based): chr3:46,860,737, C>T on the plus strand (G>A on the coding strand, the complement: MYL3 is on the minus strand). VCF-style: chr3-46860737-C-T. GRCh37 (hg19) VCF-style: chr3-46902227-C-T.
Identifiers: ClinVar variation 178087 (VCV000178087.25), dbSNP rs368364468, ClinGen allele CA013682.